The following is an entry in ClinVar:

NM_002528.7(NTHL1):c.38G>C (p.Arg13Pro)

Gene: NTHL1 (nth like DNA glycosylase 1; minus strand). Cytogenetic location: 16p13.3.
Variant type: single nucleotide variant.
Coding change: c.38G>C on transcript NM_002528.7 (MANE Select); coding-DNA position 38, G replaced by C.
Protein change: p.Arg13Pro; replaces arginine 13 with proline.
Molecular consequence: missense variant. On other transcripts: 5 prime UTR variant (1).
Genome position (GRCh38, 1-based): chr16:2,047,786, C>G on the plus strand (G>C on the coding strand, the complement: NTHL1 is on the minus strand). VCF-style: chr16-2047786-C-G. GRCh37 (hg19) VCF-style: chr16-2097787-C-G.
Other names: c.38G>C, p.Arg13Pro (NM_001318193.2); c.-141G>C (NM_001318194.2); short protein forms R13P.
Identifiers: ClinVar variation 2565700 (VCV002565700.2), dbSNP rs2084526654, ClinGen allele CA394298550.

ClinVar aggregate classification (germline): Uncertain significance (1 of 4 stars; one submission).

Conditions:
Hereditary cancer-predisposing syndrome. Also called: Neoplastic Syndromes, Hereditary; Hereditary Cancer Syndrome; Hereditary neoplastic syndrome; Tumor predisposition. Identifiers: Orphanet 140162, MedGen C0027672, MeSH D009386, MONDO:0015356.

Allele frequency attached by ClinVar (database versions not stated): gnomAD exomes below 0.00001.
gnomAD v4.1: 3 of 1,589,846 alleles (0.00019%); highest among the groups gnomAD compares: South Asian, 0.0011%; no homozygotes.

Submission:

Ambry Genetics
Classification: Uncertain significance for Hereditary cancer-predisposing syndrome. Last evaluated: 2023-05-27. Review status: criteria provided, single submitter. Criteria: Ambry Variant Classification Scheme 2023. Collection method: clinical testing. Allele origin: germline.
Comment: The p.R21P variant (also known as c.62G>C), located in coding exon 1 of the NTHL1 gene, results from a G to C substitution at nucleotide position 62. The arginine at codon 21 is replaced by proline, an amino acid with dissimilar properties. This amino acid position is conserved. In addition, this alteration is predicted to be tolerated by in silico analysis. Since supporting evidence is limited at this time, the clinical significance of this alteration remains unclear.